The following is an entry in ClinVar:

ClinVar aggregate classification (germline): Uncertain significance. Review status: criteria provided, multiple submitters, no conflicts (2 of 4 stars). 4 submissions from 4 submitters: Uncertain significance (3). 1 of the submissions does not count toward it. Last evaluated 2024-09-18.

Conditions:
Hereditary cancer-predisposing syndrome. Also called: Hereditary Cancer Syndrome; Hereditary neoplastic syndrome; Neoplastic Syndromes, Hereditary; Tumor predisposition. Identifiers: Orphanet 140162, MedGen C0027672, MeSH D009386, MONDO:0015356.
Bloom syndrome (BLM). Also called: Bloom-Torre-Machacek syndrome. Identifiers: Orphanet 125, MedGen C0005859, MONDO:0008876, OMIM 210900.

Allele frequency attached by ClinVar (database versions not stated): TOPMed below 0.00001; gnomAD 0.00001.
gnomAD v4.1: 28 of 1,614,078 alleles (0.0017%); highest among the groups gnomAD compares: Non-Finnish European, 0.0024%; 1 homozygote.

Submissions (4):

Labcorp Genetics (formerly Invitae), Labcorp
Classification: Uncertain significance for Bloom syndrome. Last evaluated: 2024-09-18. Review status: criteria provided, single submitter. Criteria: Invitae Variant Classification Sherloc (09022015). Collection method: clinical testing. Allele origin: germline.
Comment: This sequence change replaces threonine, which is neutral and polar, with serine, which is neutral and polar, at codon 1289 of the BLM protein (p.Thr1289Ser). This variant is not present in population databases (gnomAD no frequency). This variant has not been reported in the literature in individuals affected with BLM-related conditions. ClinVar contains an entry for this variant (Variation ID: 405308). Invitae Evidence Modeling of protein sequence and biophysical properties (such as structural, functional, and spatial information, amino acid conservation, physicochemical variation, residue mobility, and thermodynamic stability) indicates that this missense variant is not expected to disrupt BLM protein function with a negative predictive value of 80%. In summary, the available evidence is currently insufficient to determine the role of this variant in disease. Therefore, it has been classified as a Variant of Uncertain Significance.

Ambry Genetics
Classification: Uncertain significance for Hereditary cancer-predisposing syndrome. Last evaluated: 2024-08-05. Review status: criteria provided, single submitter. Criteria: Ambry Variant Classification Scheme 2023. Collection method: clinical testing. Allele origin: germline.
Comment: The p.T1289S variant (also known as c.3865A>T), located in coding exon 19 of the BLM gene, results from an A to T substitution at nucleotide position 3865. The threonine at codon 1289 is replaced by serine, an amino acid with similar properties. This amino acid position is well conserved in available vertebrate species. In addition, this alteration is predicted to be tolerated by in silico analysis. Since supporting evidence is limited at this time, the clinical significance of this alteration remains unclear.

St. Jude Molecular Pathology, St. Jude Children's Research Hospital
Classification: Uncertain significance for Bloom syndrome. Last evaluated: 2024-08-01. Review status: criteria provided, single submitter. Criteria: St. Jude Assertion Criteria 2020. Collection method: clinical testing. Allele origin: germline.
Comment: The BLM c.3865A>T (p.Thr1289Ser) missense change is absent in gnomAD v2.1.1. The in silico tool REVEL predicts a benign effect on protein function, but to our knowledge this prediction has not been confirmed by functional studies. To our knowledge, this variant has not been reported in individuals with Bloom syndrome. In summary, the evidence currently available is insufficient to determine the clinical significance of this variant. It has therefore been classified as of uncertain significance.

Natera, Inc.
Classification: Uncertain significance for Bloom syndrome. Last evaluated: 2020-03-20. Review status: no assertion criteria provided. Collection method: clinical testing. Allele origin: germline. Not counted in ClinVar's aggregate classification.

NM_000057.4(BLM):c.3865A>T (p.Thr1289Ser)

Gene: BLM (BLM RecQ like helicase; plus strand). Cytogenetic location: 15q26.1.
Variant type: single nucleotide variant.
Coding change: c.3865A>T on transcript NM_000057.4 (MANE Select); coding-DNA position 3865, A replaced by T.
Protein change: p.Thr1289Ser; replaces threonine 1289 with serine.
Molecular consequence: missense variant.
Genome position (GRCh38, 1-based): chr15:90,809,250, A>T. VCF-style: chr15-90809250-A-T. GRCh37 (hg19) VCF-style: chr15-91352480-A-T.
Other names: c.3865A>T, p.Thr1289Ser (NM_001287246.2); c.3472A>T, p.Thr1158Ser (NM_001287247.2); c.2740A>T, p.Thr914Ser (NM_001287248.2); c.3865A>T (NM_000057.2); short protein forms T1289S, T914S, T1158S.
Identifiers: ClinVar variation 405308 (VCV000405308.13), dbSNP rs1060500645, ClinGen allele CA16614983.